The following is an entry in ClinVar:

ClinVar aggregate classification (germline): Uncertain significance. Review status: reviewed by expert panel (3 of 4 stars). 3 submissions from 3 submitters: Uncertain significance (1). 2 of the submissions do not count toward it. Last evaluated 2021-11-19.

Conditions:
Hypertrophic cardiomyopathy. Also called: HYPERTROPHIC MYOCARDIOPATHY. Identifiers: Orphanet 217569, MedGen C0007194, MeSH D002312, MONDO:0005045, HP:0001639.

Allele frequency attached by ClinVar (database versions not stated): gnomAD exomes below 0.00001; TOPMed below 0.00001.

Submissions (3):

ClinGen Cardiomyopathy Variant Curation Expert Panel
Classification: Uncertain significance for Hypertrophic cardiomyopathy. Last evaluated: 2021-11-19. Review status: reviewed by expert panel. Criteria: ClinGen CMP ACMG Specifications v1. Collection method: curation. Allele origin: germline. Inheritance: Autosomal dominant inheritance.
Comment: The NM_000257.4(MYH7):c.511A>C (p.Asn171His) variant has been identified in 1 individual with HCM (GeneDx pers. comm.), however, this data is insufficient to apply the PS4 criterion. This variant was absent from large population studies (PM2; gnomAD v2.1.1). Computational prediction tools and conservation analysis suggest that this variant may impact the protein (PP3). In summary, due to insufficient evidence, this variant is classified as uncertain significance for hypertrophic cardiomyopathy in an autosomal dominant manner. MYH7-specific ACMG/AMP criteria applied (Kelly 2018 PMID:29300372): PM2, PP3.

GeneDx
Classification: Uncertain significance. Last evaluated: 2025-07-23. Review status: criteria provided, single submitter. Criteria: GeneDx Variant Classification Process June 2021. Collection method: clinical testing. Allele origin: germline. Affected: yes. Not counted in ClinVar's aggregate classification.
Comment: Has not been previously published as pathogenic or benign in association with an MYH7-related disorder to our knowledge; Not observed at significant frequency in large population cohorts (gnomAD); In silico analysis supports that this missense variant has a deleterious effect on protein structure/function; Located in the myosin motor domain, a region enriched with missense variants reported in association with HCM (PMID: 27532257, 29300372); This variant is associated with the following publications: (PMID: 27532257, 29300372, 34542152)

Labcorp Genetics (formerly Invitae), Labcorp
Classification: Uncertain significance for Hypertrophic cardiomyopathy. Last evaluated: 2022-03-25. Review status: criteria provided, single submitter. Criteria: Invitae Variant Classification Sherloc (09022015). Collection method: clinical testing. Allele origin: germline. Not counted in ClinVar's aggregate classification.
Comment: In summary, the available evidence is currently insufficient to determine the role of this variant in disease. Therefore, it has been classified as a Variant of Uncertain Significance. Algorithms developed to predict the effect of missense changes on protein structure and function are either unavailable or do not agree on the potential impact of this missense change (SIFT: "Deleterious"; PolyPhen-2: "Possibly Damaging"; Align-GVGD: "Class C0"). ClinVar contains an entry for this variant (Variation ID: 181310). This variant has not been reported in the literature in individuals affected with MYH7-related conditions. This variant is not present in population databases (gnomAD no frequency). This sequence change replaces asparagine, which is neutral and polar, with histidine, which is basic and polar, at codon 171 of the MYH7 protein (p.Asn171His).

NM_000257.4(MYH7):c.511A>C (p.Asn171His)

Gene: MYH7 (myosin heavy chain 7; minus strand). Cytogenetic location: 14q11.2.
Variant type: single nucleotide variant.
Coding change: c.511A>C on transcript NM_000257.4 (MANE Select); coding-DNA position 511, A replaced by C.
Protein change: p.Asn171His; replaces asparagine 171 with histidine.
Molecular consequence: missense variant.
Genome position (GRCh38, 1-based): chr14:23,432,498, T>G on the plus strand (A>C on the coding strand, the complement: MYH7 is on the minus strand). VCF-style: chr14-23432498-T-G. GRCh37 (hg19) VCF-style: chr14-23901707-T-G.
Other names: p.N171H:AAC>CAC; NM_000257.4(MYH7):c.511A>C; p.Asn171His; c.511A>C (LRG_384t1); short protein forms N171H.
Identifiers: ClinVar variation 181310 (VCV000181310.11), dbSNP rs730880842, ClinGen allele CA015706.